The following is an entry in ClinVar:

NM_000492.4(CFTR):c.1299C>A (p.Phe433Leu)

Genes: CFTR (CF transmembrane conductance regulator; plus strand), CFTR-AS1 (CFTR antisense RNA 1; minus strand). Cytogenetic location: 7q31.2.
Variant type: single nucleotide variant.
Coding change: c.1299C>A on transcript NM_000492.4 (MANE Select); coding-DNA position 1299, C replaced by A.
Protein change: p.Phe433Leu; replaces phenylalanine 433 with leucine.
Molecular consequence: missense variant.
Genome position (GRCh38, 1-based): chr7:117,548,730, C>A. VCF-style: chr7-117548730-C-A. GRCh37 (hg19) VCF-style: chr7-117188784-C-A.
Other names: short protein forms F433L.
Identifiers: ClinVar variation 1478631 (VCV001478631.6), dbSNP rs11531593, ClinGen allele CA164960289.
Genomic context (GRCh38, chr7:117,548,730, plus strand): 5'-ACAAAACAATAACAATAGAAAAACTTCTAATGGTGATGACAGCCTCTTCTTCAGTAATTT[C>A]TCACTTCTTGGTACTCCTGTCCTGAAAGATATTAATTTCAAGATAGAAAGAGGACAGTTG-3'
Protein context (NP_000483.3, residues 423-443): NGDDSLFFSN[Phe433Leu]SLLGTPVLKD

ClinVar aggregate classification (germline): Uncertain significance (1 of 4 stars; one submission).

Conditions:
Cystic fibrosis (CF). Also called: MUCOVISCIDOSIS. Identifiers: Orphanet 586, MedGen C0010674, MONDO:0009061, OMIM 219700. Disease mechanism: loss of function.

Submission:

Labcorp Genetics (formerly Invitae), Labcorp
Classification: Uncertain significance for Cystic fibrosis. Last evaluated: 2021-09-14. Review status: criteria provided, single submitter. Criteria: Invitae Variant Classification Sherloc (09022015). Collection method: clinical testing. Allele origin: germline.
Comment: This sequence change replaces phenylalanine with leucine at codon 433 of the CFTR protein (p.Phe433Leu). The phenylalanine residue is weakly conserved and there is a small physicochemical difference between phenylalanine and leucine. This variant is not present in population databases (ExAC no frequency). This variant has not been reported in the literature in individuals affected with CFTR-related conditions. Algorithms developed to predict the effect of missense changes on protein structure and function output the following: SIFT: "Tolerated"; PolyPhen-2: "Benign"; Align-GVGD: "Class C0". The leucine amino acid residue is found in multiple mammalian species, which suggests that this missense change does not adversely affect protein function. In summary, the available evidence is currently insufficient to determine the role of this variant in disease. Therefore, it has been classified as a Variant of Uncertain Significance.